The following is an entry in ClinVar:

NM_032581.4(HYCC1):c.154-1G>T

Gene: HYCC1 (hyccin PI4KA lipid kinase complex subunit 1; minus strand). Cytogenetic location: 7p15.3.
Variant type: single nucleotide variant.
Coding change: c.154-1G>T on transcript NM_032581.4 (MANE Select); the canonical splice acceptor site of the intron before coding-DNA position 154, G replaced by T.
Molecular consequence: splice acceptor variant.
Genome position (GRCh38, 1-based): chr7:22,978,449, C>A on the plus strand (G>T on the coding strand, the complement: HYCC1 is on the minus strand). VCF-style: chr7-22978449-C-A. GRCh37 (hg19) VCF-style: chr7-23018068-C-A.
Other names: c.154-1G>T (NM_001363467.2, NM_001363466.2).
Identifiers: ClinVar variation 2116835 (VCV002116835.4), dbSNP rs2534440798, ClinGen allele CA366977114.

ClinVar aggregate classification (germline): Likely pathogenic (1 of 4 stars; one submission).

Conditions:
Hypomyelination and Congenital Cataract (HLD5). Also called: hypomyelinating leukodystrophy 5. Identifiers: Orphanet 85163, MedGen C1864663, MONDO:0012514, OMIM 610532.

Submission:

Labcorp Genetics (formerly Invitae), Labcorp
Classification: Likely pathogenic for Hypomyelination and Congenital Cataract. Last evaluated: 2022-03-25. Review status: criteria provided, single submitter. Criteria: Invitae Variant Classification Sherloc (09022015). Collection method: clinical testing. Allele origin: germline.
Comment: This sequence change affects an acceptor splice site in intron 3 of the FAM126A gene. It is expected to disrupt RNA splicing. Variants that disrupt the donor or acceptor splice site typically lead to a loss of protein function (PMID: 16199547), and loss-of-function variants in FAM126A are known to be pathogenic (PMID: 21911699, 22749724, 23998934). In summary, the currently available evidence indicates that the variant is pathogenic, but additional data are needed to prove that conclusively. Therefore, this variant has been classified as Likely Pathogenic. Algorithms developed to predict the effect of sequence changes on RNA splicing suggest that this variant may disrupt the consensus splice site. This variant has not been reported in the literature in individuals affected with FAM126A-related conditions. This variant is not present in population databases (gnomAD no frequency).

Literature cited by the submitters: PubMed 16199547; PubMed 21911699; PubMed 22749724; PubMed 23998934.